The following is an entry in ClinVar:

ClinVar aggregate classification (germline): Uncertain significance (1 of 4 stars; one submission).

Conditions:
Cardiovascular phenotype. Identifiers: MedGen CN230736.

Submission:

Ambry Genetics
Classification: Uncertain significance for Cardiovascular phenotype. Last evaluated: 2025-11-15. Review status: criteria provided, single submitter. Criteria: Ambry Variant Classification Scheme 2023. Collection method: clinical testing. Allele origin: germline.
Comment: The p.M148L variant (also known as c.442A>C), located in coding exon 1 of the KCND3 gene, results from an A to C substitution at nucleotide position 442. The methionine at codon 148 is replaced by leucine, an amino acid with highly similar properties. This amino acid position is conserved. In addition, the in silico prediction for this alteration is inconclusive. Based on the available evidence, the clinical significance of this variant remains unclear.

NM_001378969.1(KCND3):c.442A>C (p.Met148Leu)

Gene: KCND3 (potassium voltage-gated channel subfamily D member 3; minus strand). Cytogenetic location: 1p13.2.
Variant type: single nucleotide variant.
Coding change: c.442A>C on transcript NM_001378969.1 (MANE Select); coding-DNA position 442, A replaced by C.
Protein change: p.Met148Leu; replaces methionine 148 with leucine.
Molecular consequence: missense variant.
Genome position (GRCh38, 1-based): chr1:111,982,285, T>G on the plus strand (A>C on the coding strand, the complement: KCND3 is on the minus strand). VCF-style: chr1-111982285-T-G. GRCh37 (hg19) VCF-style: chr1-112524907-T-G.
Other names: c.442A>C, p.Met148Leu (NM_001378970.1, NM_004980.5, NM_172198.3); short protein forms M148L.
Identifiers: ClinVar variation 4614334 (VCV004614334.1).